The following is an entry in ClinVar:

NM_000789.4(ACE):c.231G>A (p.Ala77=)

Genes: ACE (angiotensin I converting enzyme; plus strand), LOC130061383 (ATAC-STARR-seq lymphoblastoid silent region 8817; plus strand). Cytogenetic location: 17q23.3.
Variant type: single nucleotide variant.
Coding change: c.231G>A on transcript NM_000789.4 (MANE Select); coding-DNA position 231, G replaced by A.
Protein change: p.Ala77=; no amino-acid change (alanine 77 retained).
Molecular consequence: synonymous variant.
Genome position (GRCh38, 1-based): chr17:63,477,325, G>A. VCF-style: chr17-63477325-G-A. GRCh37 (hg19) VCF-style: chr17-61554686-G-A.
Other names: p.Ala77=.
Identifiers: ClinVar variation 890948 (VCV000890948.39), dbSNP rs184457276, ClinGen allele CA8698972.

ClinVar aggregate classification (germline): Benign/Likely benign. Review status: criteria provided, multiple submitters, no conflicts (2 of 4 stars). 6 submissions from 6 submitters: Benign (5); Likely benign (1). Last evaluated 2026-01-31.

Conditions:
Microvascular complications of diabetes, susceptibility to, 3. Identifiers: MedGen C2675470, MONDO:0012963, OMIM 612624.
Renal tubular dysgenesis of genetic origin. Also called: PRIMITIVE RENAL TUBULE SYNDROME. Identifiers: Orphanet 97369, MedGen C5681536, MONDO:0009970, OMIM 267430.
Hemorrhage, intracerebral, susceptibility to (ICH). Also called: Stroke, hemorrhagic, susceptibility to. Identifiers: MedGen C3281105, MONDO:0100533, OMIM 614519.
Renal tubular dysgenesis. Also called: Renotubular dysgenesis. Identifiers: Orphanet 3033, MedGen C0266313, MONDO:0017609, HP:0008660.

Allele frequency attached by ClinVar (database versions not stated): ESP Exome Variant Server 0.00345; TOPMed 0.00579; gnomAD 0.00629; 1000 Genomes Project 30x 0.00718; 1000 Genomes Project 0.00819; ExAC 0.01470.

Submissions (6):

Labcorp Genetics (formerly Invitae), Labcorp
Classification: Benign. Last evaluated: 2026-01-31. Review status: criteria provided, single submitter. Criteria: Invitae Variant Classification Sherloc (09022015). Collection method: clinical testing. Allele origin: germline.

CeGaT Center for Human Genetics Tuebingen
Classification: Benign. Last evaluated: 2023-05-01. Review status: criteria provided, single submitter. Criteria: CeGaT Center For Human Genetics Tuebingen Variant Classification Criteria Version 2. Collection method: clinical testing. Allele origin: germline. Affected: yes. Observed: 3 variant alleles.
Comment: ACE: BP4, BP7, BS1, BS2

Mayo Clinic Laboratories, Mayo Clinic
Classification: Benign. Last evaluated: 2023-01-16. Review status: criteria provided, single submitter. Criteria: ACMG Guidelines, 2015. Collection method: clinical testing. Allele origin: germline. Observed: 4 variant alleles.
Comment: BS1, BS2, BP4, BP7

Fulgent Genetics
Classification: Likely benign for Renal tubular dysgenesis of genetic origin; Microvascular complications of diabetes, susceptibility to, 3; Hemorrhage, intracerebral, susceptibility to. Last evaluated: 2022-05-04. Review status: criteria provided, single submitter. Criteria: ACMG Guidelines, 2015. Collection method: clinical testing. Allele origin: unknown.

Illumina Laboratory Services, Illumina
Classification: Benign for Renal tubular dysgenesis of genetic origin. Last evaluated: 2018-01-13. Review status: criteria provided, single submitter. Criteria: ICSL Variant Classification Criteria 13 December 2019. Collection method: clinical testing. Allele origin: germline.
Comment: This variant was observed in the ICSL laboratory as part of a predisposition screen in an ostensibly healthy population. It had not been previously curated by ICSL or reported in the Human Gene Mutation Database (HGMD: prior to June 1st, 2018), and was therefore a candidate for classification through an automated scoring system. Utilizing variant allele frequency, disease prevalence and penetrance estimates, and inheritance mode, an automated score was calculated to assess if this variant is too frequent to cause the disease. Based on the score and internal cut-off values, a variant classified as benign is not then subjected to further curation. The score for this variant resulted in a classification of benign for this disease.

Breakthrough Genomics
Classification: Benign. Review status: criteria provided, single submitter. Criteria: ACMG Guidelines, 2015. Collection method: not provided. Allele origin: germline. Inheritance: Autosomal recessive inheritance. Affected: yes.